The following is an entry in ClinVar:

NM_017950.4(CCDC40):c.1449C>T (p.Thr483=)

Gene: CCDC40 (coiled-coil domain 40 molecular ruler complex subunit; plus strand). Cytogenetic location: 17q25.3.
Variant type: single nucleotide variant.
Coding change: c.1449C>T on transcript NM_017950.4 (MANE Select); coding-DNA position 1449, C replaced by T.
Protein change: p.Thr483=; no amino-acid change (threonine 483 retained).
Molecular consequence: synonymous variant.
Genome position (GRCh38, 1-based): chr17:80,065,493, C>T. VCF-style: chr17-80065493-C-T. GRCh37 (hg19) VCF-style: chr17-78039292-C-T.
Other names: c.1449C>T, p.Thr483= (NM_001243342.2, NM_001330508.2).
Identifiers: ClinVar variation 226488 (VCV000226488.28), dbSNP rs116824266, ClinGen allele CA8813845.

ClinVar aggregate classification (germline): Benign. Review status: criteria provided, multiple submitters, no conflicts (2 of 4 stars). 8 submissions from 8 submitters: Benign (8). Last evaluated 2026-02-01.

Conditions:
Primary ciliary dyskinesia. Also called: Ciliary dyskinesia. Identifiers: Orphanet 244, MedGen C0008780, MONDO:0016575, HP:0012265.
Primary ciliary dyskinesia 15. Also called: CILIARY DYSKINESIA, PRIMARY, 15, WITH OR WITHOUT SITUS INVERSUS. Identifiers: Orphanet 244, MedGen C3151137, MONDO:0013435, OMIM 613808.

Allele frequency attached by ClinVar (database versions not stated): gnomAD exomes 0.00137 and 0.00363; ExAC 0.00458; gnomAD 0.01438 and 0.01523; ESP Exome Variant Server 0.01536; TOPMed 0.01610; 1000 Genomes Project 0.01997; 1000 Genomes Project 30x 0.02186.
gnomAD v4.1: 4,259 of 1,613,072 alleles (0.26%); highest among the groups gnomAD compares: African/African-American, 5.1%; 97 homozygotes.

Submissions (8):

Labcorp Genetics (formerly Invitae), Labcorp
Classification: Benign for Primary ciliary dyskinesia. Last evaluated: 2026-02-01. Review status: criteria provided, single submitter. Criteria: Invitae Variant Classification Sherloc (09022015). Collection method: clinical testing. Allele origin: germline.

ARUP Laboratories, Molecular Genetics and Genomics, ARUP Laboratories
Classification: Benign for Primary ciliary dyskinesia 15. Last evaluated: 2023-11-22. Review status: criteria provided, single submitter. Criteria: ARUP Molecular Germline Variant Investigation Process 2024. Collection method: clinical testing. Allele origin: germline.

GeneDx
Classification: Benign. Last evaluated: 2018-07-09. Review status: criteria provided, single submitter. Criteria: GeneDx Variant Classification Process June 2021. Collection method: clinical testing. Allele origin: germline. Affected: yes.

Illumina Laboratory Services, Illumina
Classification: Benign for Primary ciliary dyskinesia 15. Last evaluated: 2018-01-13. Review status: criteria provided, single submitter. Criteria: ICSL Variant Classification Criteria 13 December 2019. Collection method: clinical testing. Allele origin: germline.
Comment: This variant was observed in the ICSL laboratory as part of a predisposition screen in an ostensibly healthy population. It had not been previously curated by ICSL or reported in the Human Gene Mutation Database (HGMD: prior to June 1st, 2018), and was therefore a candidate for classification through an automated scoring system. Utilizing variant allele frequency, disease prevalence and penetrance estimates, and inheritance mode, an automated score was calculated to assess if this variant is too frequent to cause the disease. Based on the score and internal cut-off values, a variant classified as benign is not then subjected to further curation. The score for this variant resulted in a classification of benign for this disease.

Ambry Genetics
Classification: Benign for Primary ciliary dyskinesia. Last evaluated: 2017-03-09. Review status: criteria provided, single submitter. Criteria: Ambry Variant Classification Scheme 2023. Collection method: clinical testing. Allele origin: germline.

Laboratory for Molecular Medicine, Mass General Brigham Personalized Medicine
Classification: Benign. Last evaluated: 2013-02-21. Review status: criteria provided, single submitter. Criteria: LMM Criteria. Collection method: clinical testing. Allele origin: germline. Observed: 2 variant alleles.
Comment: Thr483Thr in exon 10 of CCDC40: This variant is not expected to have clinical si gnificance because it does not alter an amino acid residue and is not located wi thin the splice consensus sequence. It has been identified in 4.6% (194/4200) of African American chromosomes from a broad population by the NHLBI Exome Sequenc ing Project (dbSNP rs116824266).

Breakthrough Genomics
Classification: Benign. Review status: criteria provided, single submitter. Criteria: ACMG Guidelines, 2015. Collection method: not provided. Allele origin: germline. Inheritance: Autosomal recessive inheritance. Affected: yes.

PreventionGenetics, part of Exact Sciences
Classification: Benign. Review status: criteria provided, single submitter. Criteria: ACMG Guidelines, 2015. Collection method: clinical testing. Allele origin: germline.